The following is an entry in ClinVar:

NM_004100.5(EYA4):c.1105G>A (p.Glu369Lys)

Gene: EYA4 (EYA transcriptional coactivator and phosphatase 4; plus strand). Cytogenetic location: 6q23.2.
Variant type: single nucleotide variant.
Coding change: c.1105G>A on transcript NM_004100.5 (MANE Select); coding-DNA position 1105, G replaced by A.
Protein change: p.Glu369Lys; replaces glutamic acid 369 with lysine.
Molecular consequence: missense variant.
Genome position (GRCh38, 1-based): chr6:133,481,597, G>A. VCF-style: chr6-133481597-G-A. GRCh37 (hg19) VCF-style: chr6-133802735-G-A.
Other names: c.943G>A, p.Glu315Lys (NM_001301012.2); c.1123G>A, p.Glu375Lys (NM_001301013.2); c.1036G>A, p.Glu346Lys (NM_001370458.1, NM_172103.4); c.961G>A, p.Glu321Lys (NM_001370459.1); c.1105G>A, p.Glu369Lys (NM_172105.4); short protein forms E315K, E321K, E346K, E369K, E375K.
Identifiers: ClinVar variation 5040640 (VCV005040640.1).

ClinVar aggregate classification (germline): Uncertain significance (1 of 4 stars; one submission).

gnomAD v4.1: 1 of 1,613,928 alleles (0.000062%); highest among the groups gnomAD compares: Non-Finnish European, 0.000085%; no homozygotes.

Submission:

CeGaT Center for Human Genetics Tuebingen
Classification: Uncertain significance. Last evaluated: 2026-08-01. Review status: criteria provided, single submitter. Criteria: CeGaT Center For Human Genetics Tuebingen Variant Classification Criteria Version 2. Collection method: clinical testing. Allele origin: germline. Affected: yes. Observed: 1 variant allele.
Comment: EYA4: PM5